The following is an entry in ClinVar:

NM_001183.6(ATP6AP1):c.542T>G (p.Leu181Arg)

Gene: ATP6AP1 (ATPase H+ transporting accessory protein 1; plus strand). Cytogenetic location: Xq28.
Variant type: single nucleotide variant.
Coding change: c.542T>G on transcript NM_001183.6 (MANE Select); coding-DNA position 542, T replaced by G.
Protein change: p.Leu181Arg; replaces leucine 181 with arginine.
Molecular consequence: missense variant.
Genome position (GRCh38, 1-based): chrX:154,432,444, T>G. VCF-style: chrX-154432444-T-G. GRCh37 (hg19) VCF-style: chrX-153660790-T-G.
Other names: short protein forms L181R.
Identifiers: ClinVar variation 437913 (VCV000437913.10), dbSNP rs1557196978, ClinGen allele CA415190062.
Genomic context (GRCh38, chrX:154,432,444, plus strand): 5'-TGGCCACCCTGCGGGAGCTGAAGCTCAATGCCAGCCTCCCTGCTCTGCTGCTCATTCGCC[T>G]GCCCTACACAGCCAGGTACTGCCCGCATGGCCCAGCCACCAGCCTCGGGGCCCAGAGAGC-3'
Protein context (NP_001174.2, residues 171-191): ASLPALLLIR[Leu181Arg]PYTASSGLMA

ClinVar aggregate classification (germline): Conflicting classifications of pathogenicity. Review status: criteria provided, conflicting classifications (1 of 4 stars). 3 submissions from 3 submitters: Pathogenic (1); Uncertain significance (1). 1 of the submissions does not count toward it. Last evaluated 2020-11-16.

Conditions:
Immunodeficiency 47 (IMD47). Also called: IMMUNODEFICIENCY AND HEPATOPATHY WITH OR WITHOUT NEUROLOGIC FEATURES. Identifiers: Orphanet 692790, MedGen C4310819, MONDO:0010504, OMIM 300972.

Submissions (3):

Labcorp Genetics (formerly Invitae), Labcorp
Classification: Uncertain significance. Last evaluated: 2020-11-16. Review status: criteria provided, single submitter. Criteria: Invitae Variant Classification Sherloc (09022015). Collection method: clinical testing. Allele origin: germline.
Comment: In summary, the available evidence is currently insufficient to determine the role of this variant in disease. Therefore, it has been classified as a Variant of Uncertain Significance. Studies have shown that this variant alters ATP6AP1 gene expression (PMID: 29396028). This variant has been observed in individual(s) with ATP6AP1 deficiency (PMID: 28688840, 29396028). ClinVar contains an entry for this variant (Variation ID: 437913). This variant is not present in population databases (ExAC no frequency). This sequence change replaces leucine with arginine at codon 181 of the ATP6AP1 protein (p.Leu181Arg). The leucine residue is highly conserved and there is a moderate physicochemical difference between leucine and arginine.

Lab Thiel (Congenital Disorders of Glycosylation), Center for Child and Adolescent Medicine
Classification: Pathogenic for Immunodeficiency 47. Last evaluated: 2017-08-15. Review status: criteria provided, single submitter. Criteria: Submitter's publication. Collection method: phenotyping only, in vitro. Allele origin: maternal, not applicable. Inheritance: X-linked inheritance. Affected: yes.

OMIM
Classification: Pathogenic for IMMUNODEFICIENCY 47. Last evaluated: 2020-05-28. Review status: no assertion criteria provided. Collection method: literature only. Allele origin: germline. Not counted in ClinVar's aggregate classification.

Literature cited by the submitters: PubMed 29396028 (cited by 3 submitters); PubMed 28688840 (cited by Labcorp Genetics (formerly Invitae), Labcorp).